The following is an entry in ClinVar:

NC_000002.11:g.(?_50692560)_(50724872_?)del

Gene: NRXN1 (neurexin 1; minus strand). Cytogenetic location: 2p16.3.
Variant type: Deletion.
Identifiers: ClinVar variation 1410218 (VCV001410218.4).

ClinVar aggregate classification (germline): Uncertain significance (1 of 4 stars; one submission).

Conditions:
Pitt-Hopkins-like syndrome 2 (PTHSL2). Identifiers: Orphanet 221150, Orphanet 600663, MedGen C3280479, MONDO:0013690, OMIM 614325.

Submission:

Labcorp Genetics (formerly Invitae), Labcorp
Classification: Uncertain significance for Pitt-Hopkins-like syndrome 2. Last evaluated: 2021-07-17. Review status: criteria provided, single submitter. Criteria: Invitae Variant Classification Sherloc (09022015). Collection method: clinical testing. Allele origin: germline.
Comment: In summary, the available evidence is currently insufficient to determine the role of this variant in disease. Therefore, it has been classified as a Variant of Uncertain Significance. Experimental studies and prediction algorithms are not available or were not evaluated, and the functional significance of this variant is currently unknown. This variant has not been reported in the literature in individuals affected with NRXN1-related conditions. This variant is a gross deletion of the genomic region encompassing exon(s) 15-18 of the NRXN1 gene. This variant would be expected to be in-frame, preserving the integrity of the reading frame.